The following is an entry in ClinVar:

NM_001162501.2(TNRC6B):c.3392G>A (p.Ser1131Asn)

Gene: TNRC6B (trinucleotide repeat containing adaptor 6B; plus strand). Cytogenetic location: 22q13.1.
Variant type: single nucleotide variant.
Coding change: c.3392G>A on transcript NM_001162501.2 (MANE Select); coding-DNA position 3392, G replaced by A.
Protein change: p.Ser1131Asn; replaces serine 1131 with asparagine.
Molecular consequence: missense variant.
Genome position (GRCh38, 1-based): chr22:40,280,124, G>A. VCF-style: chr22-40280124-G-A. GRCh37 (hg19) VCF-style: chr22-40676128-G-A.
Other names: c.1151G>A, p.Ser384Asn (NM_001024843.2); c.3233G>A, p.Ser1078Asn (NM_015088.3); short protein forms S1078N, S1131N, S384N.
Identifiers: ClinVar variation 1679778 (VCV001679778.1), dbSNP rs1358673489, ClinGen allele CA411650443.

ClinVar aggregate classification (germline): Uncertain significance (1 of 4 stars; one submission).

Conditions:
Global developmental delay with speech and behavioral abnormalities. Identifiers: MedGen C5543226, MONDO:0030995, OMIM 619243.

Allele frequency attached by ClinVar (database versions not stated): gnomAD exomes below 0.00001; TOPMed 0.00001.
gnomAD v4.1: 1 of 1,613,434 alleles (0.000062%); highest among the groups gnomAD compares: Non-Finnish European, 0.000085%; no homozygotes.

Submission:

New York Genome Center
Classification: Uncertain significance for Global developmental delay with speech and behavioral abnormalities. Last evaluated: 2021-04-16. Review status: criteria provided, single submitter. Criteria: NYGC Assertion Criteria 2020. Collection method: clinical testing. Allele origin: germline. Observed: 1 heterozygote. Study: CSER-NYCKidSeq.
Comment: The c.3392G>A (p.Ser1131Asn) variant identified in the TNRC6B gene substitutes a conserved Serine for Asparagine at amino acid 1131/1834 (exon 10/23). This variant is absent from gnomAD(v3.1.1) suggesting it is not a common benign variant in the populations represented in that database. In silico algorithms predict this variant to be Damaging (SIFT; score:0.02) and Benign (REVEL; score:0.143) to the function of the canonical transcript. This variant is absent from ClinVar and to our current knowledge has not been reported in affected individuals in the literature. The p. Ser1131 residue is not within a mapped domain of TNRC6B (UniProtKB:Q9UPQ9). Given the lack of compelling evidence for its pathogenicity, the c.3392G>A (p.Ser1131Asn) variant identified in the TNRC6B gene is reported as a Variant of Uncertain Significance.